The following is an entry in ClinVar:

ClinVar aggregate classification (germline): Uncertain significance (1 of 4 stars; one submission).

Conditions:
Neuronopathy, distal hereditary motor, autosomal recessive 5. Also called: Young adult-onset distal hereditary motor neuropathy; Spinal muscular atrophy, distal, autosomal recessive, 5; NEUROPATHY, DISTAL HEREDITARY MOTOR, AUTOSOMAL RECESSIVE 5. Identifiers: Orphanet 314485, Orphanet 443950, MedGen C4749918, MONDO:0013947, OMIM 614881.

Allele frequency attached by ClinVar (database versions not stated): gnomAD exomes 0.00001; ExAC 0.00002; gnomAD 0.00002; TOPMed below 0.00001.

Submission:

Labcorp Genetics (formerly Invitae), Labcorp
Classification: Uncertain significance for Neuronopathy, distal hereditary motor, autosomal recessive 5. Last evaluated: 2024-10-02. Review status: criteria provided, single submitter. Criteria: Invitae Variant Classification Sherloc (09022015). Collection method: clinical testing. Allele origin: germline.
Comment: This sequence change replaces phenylalanine, which is neutral and non-polar, with serine, which is neutral and polar, at codon 123 of the DNAJB2 protein (p.Phe123Ser). This variant is present in population databases (rs757308369, gnomAD 0.004%). This variant has not been reported in the literature in individuals affected with DNAJB2-related conditions. ClinVar contains an entry for this variant (Variation ID: 1517415). Invitae Evidence Modeling of protein sequence and biophysical properties (such as structural, functional, and spatial information, amino acid conservation, physicochemical variation, residue mobility, and thermodynamic stability) indicates that this missense variant is not expected to disrupt DNAJB2 protein function with a negative predictive value of 80%. In summary, the available evidence is currently insufficient to determine the role of this variant in disease. Therefore, it has been classified as a Variant of Uncertain Significance.

NM_006736.6(DNAJB2):c.368T>C (p.Phe123Ser)

Gene: DNAJB2 (DnaJ heat shock protein family (Hsp40) member B2; plus strand). Cytogenetic location: 2q35.
Variant type: single nucleotide variant.
Coding change: c.368T>C on transcript NM_006736.6 (MANE Select); coding-DNA position 368, T replaced by C.
Protein change: p.Phe123Ser; replaces phenylalanine 123 with serine.
Molecular consequence: missense variant.
Genome position (GRCh38, 1-based): chr2:219,282,852, T>C. VCF-style: chr2-219282852-T-C. GRCh37 (hg19) VCF-style: chr2-220147574-T-C.
Other names: c.368T>C, p.Phe123Ser (NM_001039550.2); short protein forms F123S.
Identifiers: ClinVar variation 1517415 (VCV001517415.5), dbSNP rs757308369, ClinGen allele CA2122957.